The following is an entry in ClinVar:

ClinVar aggregate classification (germline): Benign/Likely benign. Review status: criteria provided, multiple submitters, no conflicts (2 of 4 stars). 4 submissions from 4 submitters: Benign (1); Likely benign (2). 1 of the submissions does not count toward it. Last evaluated 2026-07-10.

Conditions:
SMARCA4-related disorder. Also called: SMARCA4-related condition.
Hereditary cancer-predisposing syndrome. Also called: Hereditary Cancer Syndrome; Tumor predisposition; Hereditary neoplastic syndrome; Neoplastic Syndromes, Hereditary. Identifiers: Orphanet 140162, MedGen C0027672, MeSH D009386, MONDO:0015356.
Rhabdoid tumor predisposition syndrome 2 (RTPS2). Identifiers: Orphanet 231108, Orphanet 69077, MedGen C2750074, MONDO:0013224, OMIM 613325.

Allele frequency attached by ClinVar (database versions not stated): gnomAD 0.00006 and 0.00007; gnomAD exomes 0.00002; TOPMed 0.00003; ExAC 0.00004; ESP Exome Variant Server 0.00015.
gnomAD v4.1: 35 of 1,614,048 alleles (0.0022%); highest among the groups gnomAD compares: East Asian, 0.0045%; no homozygotes.

Submissions (4):

Myriad Genetics, Inc.
Classification: Benign for Rhabdoid tumor predisposition syndrome 2. Last evaluated: 2026-07-10. Review status: criteria provided, single submitter. Criteria: Myriad Autosomal Dominant, Autosomal Recessive and X-Linked Classification Criteria (2023). Collection method: clinical testing. Allele origin: unknown.
Comment: This variant is considered benign. This variant is a silent/synonymous amino acid change and it is not expected to impact splicing.

Labcorp Genetics (formerly Invitae), Labcorp
Classification: Likely benign for Rhabdoid tumor predisposition syndrome 2. Last evaluated: 2026-01-25. Review status: criteria provided, single submitter. Criteria: Invitae Variant Classification Sherloc (09022015). Collection method: clinical testing. Allele origin: germline.

Ambry Genetics
Classification: Likely benign for Hereditary cancer-predisposing syndrome. Last evaluated: 2015-06-25. Review status: criteria provided, single submitter. Criteria: Ambry Variant Classification Scheme 2023. Collection method: clinical testing. Allele origin: germline.

PreventionGenetics, part of Exact Sciences
Classification: Likely benign for SMARCA4-related condition. Last evaluated: 2024-08-19. Review status: no assertion criteria provided. Collection method: clinical testing. Allele origin: germline. Not counted in ClinVar's aggregate classification.
Comment: This variant is classified as likely benign based on ACMG/AMP sequence variant interpretation guidelines (Richards et al. 2015 PMID: 25741868, with internal and published modifications).

NM_003072.5(SMARCA4):c.1821C>T (p.Asp607=)

Gene: SMARCA4 (SWI/SNF related BAF chromatin remodeling complex subunit ATPase 4; plus strand). Cytogenetic location: 19p13.2.
Variant type: single nucleotide variant.
Coding change: c.1821C>T on transcript NM_003072.5 (MANE Select); coding-DNA position 1821, C replaced by T.
Protein change: p.Asp607=; no amino-acid change (aspartic acid 607 retained).
Molecular consequence: synonymous variant. On other transcripts: non-coding transcript variant (1).
Genome position (GRCh38, 1-based): chr19:11,003,037, C>T. VCF-style: chr19-11003037-C-T. GRCh37 (hg19) VCF-style: chr19-11113713-C-T.
Other names: c.1821C>T, p.Asp607= (NM_001128844.3, NM_001128845.2, NM_001128846.2 and 5 more transcripts).
Identifiers: ClinVar variation 238384 (VCV000238384.18), dbSNP rs150138332, ClinGen allele CA9203917.